The following is an entry in ClinVar:

NM_002471.4(MYH6):c.3946del (p.Asp1316fs)

Gene: MYH6 (myosin heavy chain 6; minus strand). Cytogenetic location: 14q11.2.
Variant type: Deletion.
Coding change: c.3946del on transcript NM_002471.4 (MANE Select); coding-DNA position 3946, one base deleted (G; older notation c.3946delG).
Protein change: p.Asp1316fs; shifts the reading frame from aspartic acid 1316.
Molecular consequence: frameshift variant.
Genome position (GRCh38, 1-based): chr14:23,389,425, C deleted on the plus strand (G on the coding strand, the reverse complement: MYH6 is on the minus strand); the first of 2 consecutive C bases (chr14:23,389,425-23,389,426); deleting either gives the same sequence. VCF-style (leftmost placement, unchanged base first): chr14-23389424-TC-T. GRCh37 (hg19) VCF-style: chr14-23858633-TC-T.
Other names: c.3946delG (NM_002471.3); short protein forms D1316fs.
Identifiers: ClinVar variation 3876464 (VCV003876464.1).

ClinVar aggregate classification (germline): Uncertain significance (1 of 4 stars; one submission).

Conditions:
Cardiovascular phenotype. Identifiers: MedGen CN230736.

Submission:

Ambry Genetics
Classification: Uncertain significance for Cardiovascular phenotype. Last evaluated: 2025-02-27. Review status: criteria provided, single submitter. Criteria: Ambry Variant Classification Scheme 2023. Collection method: clinical testing. Allele origin: germline.
Comment: The c.3946delG variant, located in coding exon 26 of the MYH6 gene, results from a deletion of one nucleotide at nucleotide position 3946, causing a translational frameshift with a predicted alternate stop codon (p.D1316Tfs*112). This alteration is expected to result in protein truncation or nonsense-mediated mRNA decay. However, loss of function of MYH6 has not been established as a mechanism of disease. Based on the available evidence, the clinical significance of this alteration remains unclear.